The following is an entry in ClinVar:

ClinVar aggregate classification (germline): Conflicting classifications of pathogenicity. Review status: criteria provided, conflicting classifications (1 of 4 stars). 3 submissions from 3 submitters: Uncertain significance (2); Likely benign (1). Last evaluated 2024-02-21.

Conditions:
Cardiac arrhythmia. Also called: Arrhythmia; Cardiac rhythm disease. Identifiers: MedGen C0003811, MONDO:0007263, HP:0011675.

Allele frequency attached by ClinVar (database versions not stated): gnomAD 0.00001; gnomAD exomes 0.00003; ExAC 0.00005.
gnomAD v4.1: 28 of 1,587,644 alleles (0.0018%); highest among the groups gnomAD compares: Middle Eastern, 0.05%; 1 homozygote.

Submissions (3):

Blueprint Genetics
Classification: Uncertain significance. Last evaluated: 2024-02-21. Review status: criteria provided, single submitter. Criteria: ACMG Guidelines, 2015. Collection method: clinical testing. Allele origin: germline.

GeneDx
Classification: Uncertain significance. Last evaluated: 2021-03-16. Review status: criteria provided, single submitter. Criteria: GeneDx Variant Classification Process June 2021. Collection method: clinical testing. Allele origin: germline. Affected: yes.
Comment: Has not been previously published as pathogenic or benign to our knowledge; Reported in ClinVar (ClinVar Variant ID# 627667; Landrum et al., 2016); In silico analysis supports that this missense variant does not alter protein structure/function; Occurs in an alternate transcript where no variants have been reported definitively disease-causing mutations in the Human Gene Mutation Database in association with KCNH2-related disorders (Stenson et al., 2014)

Color Diagnostics, LLC DBA Color Health
Classification: Likely benign for Arrhythmia. Last evaluated: 2018-05-07. Review status: criteria provided, single submitter. Criteria: ACMG Guidelines, 2015. Collection method: clinical testing. Allele origin: germline.

NM_000238.4(KCNH2):c.2398+25G>T

Gene: KCNH2 (potassium voltage-gated channel subfamily H member 2; minus strand). Cytogenetic location: 7q36.1.
Variant type: single nucleotide variant.
Coding change: c.2398+25G>T on transcript NM_000238.4 (MANE Select); 25 bases into the intron after coding-DNA position 2398, G replaced by T.
Molecular consequence: intron variant. On other transcripts: missense variant (5).
Genome position (GRCh38, 1-based): chr7:150,950,143, C>A on the plus strand (G>T on the coding strand, the complement: KCNH2 is on the minus strand). VCF-style: chr7-150950143-C-A. GRCh37 (hg19) VCF-style: chr7-150647231-C-A.
Other names: c.1403G>T, p.Gly468Val (NM_001204798.2); c.2246G>T, p.Gly749Val (NM_001406755.1); c.2135G>T, p.Gly712Val (NM_001406756.1); c.2123G>T, p.Gly708Val (NM_001406757.1); c.2423G>T, p.Gly808Val (NM_172056.3); c.1378+25G>T (NM_172057.3); short protein forms G808V, G468V, G708V, G712V, G749V.
Identifiers: ClinVar variation 627667 (VCV000627667.8), dbSNP rs761167679, ClinGen allele CA032302.